The following is an entry in ClinVar:

NM_006031.6(PCNT):c.4041G>C (p.Leu1347=)

Gene: PCNT (pericentrin; plus strand). Cytogenetic location: 21q22.3.
Variant type: single nucleotide variant.
Coding change: c.4041G>C on transcript NM_006031.6 (MANE Select); coding-DNA position 4041, G replaced by C.
Protein change: p.Leu1347=; no amino-acid change (leucine 1347 retained).
Molecular consequence: synonymous variant.
Genome position (GRCh38, 1-based): chr21:46,391,201, G>C. VCF-style: chr21-46391201-G-C. GRCh37 (hg19) VCF-style: chr21-47811116-G-C.
Other names: c.3687G>C, p.Leu1229= (NM_001315529.2); c.4041G>C (NM_006031.5).
Identifiers: ClinVar variation 2737657 (VCV002737657.4), dbSNP rs145534063, ClinGen allele CA10079522.
Genomic context (GRCh38, chr21:46,391,201, plus strand): 5'-GAGCATCTGTGTCTCCCACAAAGGTACCCTTGAGGGATTCAAGGTGGAGACAGCAGATCT[G>C]AAGGAGGTGCTGGCCGGGAAGGAGGATTCCGAGCACCGTCTGGTGCTGGAGCTGGAGAGC-3'
Protein context (NP_006022.3, residues 1337-1357): LEGFKVETAD[Leu1347=]KEVLAGKEDS

ClinVar aggregate classification (germline): Likely benign. Review status: criteria provided, single submitter (1 of 4 stars). 2 submissions from 2 submitters: Likely benign (1). 1 of the submissions does not count toward it. Last evaluated 2024-08-29.

Conditions:
PCNT-related disorder. Also called: PCNT-related condition.

Allele frequency attached by ClinVar (database versions not stated): gnomAD exomes 0.00001; ExAC 0.00002; TOPMed 0.00002; ESP Exome Variant Server 0.00008.
gnomAD v4.1: 16 of 1,608,822 alleles (0.00099%); highest among the groups gnomAD compares: Middle Eastern, 0.083%; no homozygotes.

Submissions (2):

Labcorp Genetics (formerly Invitae), Labcorp
Classification: Likely benign. Last evaluated: 2024-08-29. Review status: criteria provided, single submitter. Criteria: Invitae Variant Classification Sherloc (09022015). Collection method: clinical testing. Allele origin: germline.

PreventionGenetics, part of Exact Sciences
Classification: Likely benign for PCNT-related condition. Last evaluated: 2024-05-03. Review status: no assertion criteria provided. Collection method: clinical testing. Allele origin: germline. Not counted in ClinVar's aggregate classification.
Comment: This variant is classified as likely benign based on ACMG/AMP sequence variant interpretation guidelines (Richards et al. 2015 PMID: 25741868, with internal and published modifications).